The following is an entry in ClinVar:

NM_002474.3(MYH11):c.1401+12T>G

Gene: MYH11 (myosin heavy chain 11; minus strand). Cytogenetic location: 16p13.11.
Variant type: single nucleotide variant.
Coding change: c.1401+12T>G on transcript NM_002474.3 (MANE Select); 12 bases into the intron after coding-DNA position 1401, T replaced by G.
Molecular consequence: intron variant.
Genome position (GRCh38, 1-based): chr16:15,759,564, A>C on the plus strand (T>G on the coding strand, the complement: MYH11 is on the minus strand). VCF-style: chr16-15759564-A-C. GRCh37 (hg19) VCF-style: chr16-15853421-A-C.
Other names: c.1401+12T>G (NM_022844.3); c.1422+12T>G (NM_001040114.2, NM_001040113.2, NM_001040113.1).
Identifiers: ClinVar variation 2185553 (VCV002185553.6), dbSNP rs748394977, ClinGen allele CA7922630.

ClinVar aggregate classification (germline): Likely benign. Review status: criteria provided, single submitter (1 of 4 stars). 2 submissions from 2 submitters: Likely benign (1). 1 of the submissions does not count toward it. Last evaluated 2025-05-09.

Conditions:
MYH11-related disorder. Also called: MYH11-related condition.
Aortic aneurysm, familial thoracic 4 (AAT4). Also called: AORTIC ANEURYSM/AORTIC DISSECTION AND PATENT DUCTUS ARTERIOSUS. Identifiers: MedGen C1851504, MONDO:0007568, OMIM 132900.

Allele frequency attached by ClinVar (database versions not stated): ExAC 0.00001; gnomAD exomes 0.00001; gnomAD 0.00003; TOPMed 0.00004.
gnomAD v4.1: 14 of 1,614,034 alleles (0.00087%); highest among the groups gnomAD compares: East Asian, 0.029%; no homozygotes.

Submissions (2):

Labcorp Genetics (formerly Invitae), Labcorp
Classification: Likely benign for Aortic aneurysm, familial thoracic 4. Last evaluated: 2025-05-09. Review status: criteria provided, single submitter. Criteria: Invitae Variant Classification Sherloc (09022015). Collection method: clinical testing. Allele origin: germline.

PreventionGenetics, part of Exact Sciences
Classification: Likely benign for MYH11-related condition. Last evaluated: 2019-03-15. Review status: no assertion criteria provided. Collection method: clinical testing. Allele origin: germline. Not counted in ClinVar's aggregate classification.
Comment: This variant is classified as likely benign based on ACMG/AMP sequence variant interpretation guidelines (Richards et al. 2015 PMID: 25741868, with internal and published modifications).